The following is an entry in ClinVar:

ClinVar aggregate classification (germline): Likely pathogenic (1 of 4 stars; one submission).

Conditions:
Primary ciliary dyskinesia. Also called: Ciliary dyskinesia. Identifiers: Orphanet 244, MedGen C0008780, MONDO:0016575, HP:0012265.

Submission:

Department of Human Genetics, Hannover Medical School
Classification: Likely pathogenic for Primary Ciliary Dyskinesia. Last evaluated: 2026-04-01. Review status: criteria provided, single submitter. Criteria: ACMG Guidelines, 2015. Collection method: research. Allele origin: germline. Affected: no.
Comment: Classification performed by HerediClassify using the following criteria:['PM2_supporting: Variant occures does not occur as homozygous in gnomAD.', 'PVS1_protein_very_strong: Transcript ENST00000589042 is predicted to undergo NMD.']

NM_001267550.2(TTN):c.36991G>T (p.Glu12331Ter)

Gene: TTN (titin; minus strand). Cytogenetic location: 2q31.2.
Variant type: single nucleotide variant.
Coding change: c.36991G>T on transcript NM_001267550.2 (MANE Select); coding-DNA position 36991, G replaced by T.
Protein change: p.Glu12331Ter; replaces glutamic acid 12331 with a stop codon.
Molecular consequence: nonsense. On other transcripts: intron variant (5).
Genome position (GRCh38, 1-based): chr2:178,662,386, C>A on the plus strand (G>T on the coding strand, the complement: TTN is on the minus strand). VCF-style: chr2-178662386-C-A. GRCh37 (hg19) VCF-style: chr2-179527113-C-A.
Other names: c.13283-20069G>T (NM_003319.4); c.13859-20069G>T (NM_133437.4); c.13658-20069G>T (NM_133432.3); c.31573+580G>T (NM_133378.4); c.34354+580G>T (NM_001256850.1); short protein forms E12331*.
Identifiers: ClinVar variation 4880150 (VCV004880150.1).